The following is an entry in ClinVar:

NC_000019.10:g.(?_35835695)_(35835771_?)del

Gene: NPHS1 (NPHS1 adhesion molecule, nephrin; minus strand). Cytogenetic location: 19q13.12.
Variant type: Deletion.
Identifiers: ClinVar variation 833231 (VCV000833231.5).

ClinVar aggregate classification (germline): Pathogenic (1 of 4 stars; one submission).

Submission:

Labcorp Genetics (formerly Invitae), Labcorp
Classification: Pathogenic. Last evaluated: 2022-06-18. Review status: criteria provided, single submitter. Criteria: Invitae Variant Classification Sherloc (09022015). Collection method: clinical testing. Allele origin: germline.
Comment: This variant is a gross deletion of the genomic region encompassing exon(s) 23 of the NPHS1 gene. This deletion is out-of-frame, and is expected to create a premature termination codon and result in an absent or disrupted protein product. Loss-of-function variants in NPHS1 are known to be pathogenic (PMID: 11317351, 11854170, 12039988). This variant has not been reported in the literature in individuals affected with NPHS1-related conditions. For these reasons, this variant has been classified as Pathogenic.

Literature cited by the submitters: PubMed 11317351; PubMed 11854170; PubMed 12039988.